The following is an entry in ClinVar:

ClinVar aggregate classification (germline): Pathogenic (1 of 4 stars; one submission).

Conditions:
Cohen syndrome (COH1). Also called: PEPPER SYNDROME; Cutis verticis gyrata, retinitis pigmentosa, and sensorineural deafness. Identifiers: Orphanet 193, MedGen C0265223, MONDO:0008999, OMIM 216550.

Submission:

Myriad Genetics, Inc.
Classification: Pathogenic for Cohen syndrome. Last evaluated: 2026-02-11. Review status: criteria provided, single submitter. Criteria: Myriad Autosomal Dominant, Autosomal Recessive and X-Linked Classification Criteria (2023). Collection method: clinical testing. Allele origin: unknown.
Comment: NM_017890.4(VPS13B):c.4507_4508delCT(Y1504Ffs*5) is a frameshift variant classified as pathogenic in the context of Cohen syndrome. Y1504Ffs*5 has not been observed in cases with relevant disease. Relevant functional assessments of this variant are not available in the literature. Y1504Ffs*5 has not been observed in referenced population frequency databases. In summary, NM_017890.4(VPS13B):c.4507_4508delCT(Y1504Ffs*5) is a frameshift variant in a gene where loss of function is a known mechanism of disease and is predicted to disrupt protein function. Please note: this variant was assessed in the context of healthy population screening.

NM_152564.5(VPS13B):c.4432_4433del (p.Tyr1479fs)

Gene: VPS13B (vacuolar protein sorting 13 homolog B; plus strand). Cytogenetic location: 8q22.2.
Variant type: Deletion.
Coding change: c.4432_4433del on transcript NM_152564.5 (MANE Select); coding-DNA positions 4432 to 4433, 2 bases deleted (CT; older notation c.4432_4433delCT).
Protein change: p.Tyr1479fs; shifts the reading frame from tyrosine 1479.
Molecular consequence: frameshift variant.
Genome position (GRCh38, 1-based): chr8:99,511,311-99,511,312, CT deleted; deleting any 2 consecutive bases within chr8:99,511,310-99,511,312 gives the same sequence; the c. name uses the placement nearest the transcript's 3' end. VCF-style (leftmost placement, unchanged base first): chr8-99511309-TTC-T. GRCh37 (hg19) VCF-style: chr8-100523537-TTC-T.
Other names: c.4507_4508del, p.Tyr1504fs (NM_017890.5); short protein forms Y1504fs, Y1479fs.
Identifiers: ClinVar variation 5004464 (VCV005004464.1).